The following is an entry in ClinVar:

NM_001126108.2(SLC12A3):c.2633+1G>A

Gene: SLC12A3 (solute carrier family 12 member 3; plus strand). Cytogenetic location: 16q13.
Variant type: single nucleotide variant.
Coding change: c.2633+1G>A on transcript NM_001126108.2 (MANE Select); the canonical splice donor site of the intron after coding-DNA position 2633, G replaced by A.
Molecular consequence: splice donor variant.
Genome position (GRCh38, 1-based): chr16:56,894,643, G>A. VCF-style: chr16-56894643-G-A. GRCh37 (hg19) VCF-style: chr16-56928555-G-A.
Other names: c.2660+1G>A (NM_000339.3); c.2657+1G>A (NM_001126107.2); c.2630+1G>A (NM_001410896.1).
Identifiers: ClinVar variation 936104 (VCV000936104.24), dbSNP rs778455414, ClinGen allele CA8069988.

ClinVar aggregate classification (germline): Pathogenic. Review status: criteria provided, multiple submitters, no conflicts (2 of 4 stars). 10 submissions from 10 submitters: Pathogenic (10). Last evaluated 2025-11-05.

Conditions:
SLC12A3-related disorder. Also called: SLC12A3-related condition.
Familial hypokalemia-hypomagnesemia (GTLMNS). Also called: POTASSIUM AND MAGNESIUM DEPLETION; HYPOMAGNESEMIA-HYPOKALEMIA, PRIMARY RENOTUBULAR, WITH HYPOCALCIURIA; gitelman syndrome. Identifiers: Orphanet 358, MedGen C0268450, MONDO:0009904, OMIM 263800.

Allele frequency attached by ClinVar (database versions not stated): ExAC 0.00001; gnomAD 0.00001; TOPMed 0.00002; gnomAD exomes 0.00001.

Submissions (10):

Nephrology, University of Crete, University General Hospital of Heraklion
Classification: Pathogenic for Familial hypokalemia-hypomagnesemia. Last evaluated: 2025-11-05. Review status: criteria provided, single submitter. Criteria: ACMG Guidelines, 2015. Collection method: clinical testing. Allele origin: unknown. Affected: yes.

Natera, Inc.
Classification: Pathogenic for Gitelman syndrome. Last evaluated: 2025-02-18. Review status: criteria provided, single submitter. Criteria: Natera Variant Classification Schema (03/2026). Collection method: clinical testing. Allele origin: germline.
Comment: The c.2660+1G>A variant in SLC12A3 is a canonical splice donor site variant predicted to affect pre-mRNA splicing, which may result in an abnormal transcript and altered protein product. This variant is expected to result in nonsense mediated decay, truncation, or a dysfunctional protein product. This variant is rare in the general population with a frequency below the threshold expected for the associated phenotype(s). This variant has been observed in one or more individuals affected with the associated recessive disease, as either homozygous or compound heterozygous with a second variant (PMID: 30413979). Additionally, this variant has been observed to segregate in affected family members (PMID: 30413979). Given the available evidence, this variant is classified as Pathogenic.

GeneDx
Classification: Pathogenic. Last evaluated: 2025-01-14. Review status: criteria provided, single submitter. Criteria: GeneDx Variant Classification Process June 2021. Collection method: clinical testing. Allele origin: germline. Affected: yes.
Comment: Canonical splice site variant predicted to result in a null allele in a gene for which loss of function is a known mechanism of disease; Not observed at significant frequency in large population cohorts (gnomAD); This variant is associated with the following publications: (PMID: 24830959, 30596175, 29403282, 31672324, 33348466, 36938085, 37576796, 30476936, 37351317, 22679066, 34179047, 25984200, 34486758, 34389731, AguilaGarcia2023[preprint], 30413979)

Blueprint Genetics
Classification: Pathogenic for SLC12A3-related disorders. Last evaluated: 2024-03-05. Review status: criteria provided, single submitter. Criteria: ACMG Guidelines, 2015. Collection method: clinical testing. Allele origin: germline. Affected: yes. Observed: 4 variant alleles.

Fulgent Genetics
Classification: Pathogenic for Familial hypokalemia-hypomagnesemia. Last evaluated: 2024-01-06. Review status: criteria provided, single submitter. Criteria: ACMG Guidelines, 2015. Collection method: clinical testing. Allele origin: germline.

Labcorp Genetics (formerly Invitae), Labcorp
Classification: Pathogenic. Last evaluated: 2023-12-10. Review status: criteria provided, single submitter. Criteria: Invitae Variant Classification Sherloc (09022015). Collection method: clinical testing. Allele origin: germline.
Comment: This sequence change affects a donor splice site in intron 22 of the SLC12A3 gene. It is expected to disrupt RNA splicing. Variants that disrupt the donor or acceptor splice site typically lead to a loss of protein function (PMID: 16199547), and loss-of-function variants in SLC12A3 are known to be pathogenic (PMID: 20848653, 22009145, 25841442). This variant is present in population databases (rs778455414, gnomAD 0.002%). Disruption of this splice site has been observed in individuals with Gitelman syndroe (PMID: 24830959). ClinVar contains an entry for this variant (Variation ID: 936104). Algorithms developed to predict the effect of sequence changes on RNA splicing suggest that this variant may disrupt the consensus splice site. For these reasons, this variant has been classified as Pathogenic.

Women's Health and Genetics/Laboratory Corporation of America, LabCorp
Classification: Pathogenic for Familial hypokalemia-hypomagnesemia. Last evaluated: 2023-01-11. Review status: criteria provided, single submitter. Criteria: LabCorp Variant Classification Summary - May 2015. Collection method: clinical testing. Allele origin: germline.
Comment: Variant summary: SLC12A3 c.2660+1G>A is located in a canonical splice-site and is predicted to affect mRNA splicing resulting in a significantly altered protein due to either exon skipping, shortening, or inclusion of intronic material. Several computational tools predict a significant impact on normal splicing: Four predict the variant abolishes the canonical 5' splicing donor site. However to our knowledge, these predictions have yet to be confirmed by functional studies. The variant allele was found at a frequency of 8e-06 in 251044 control chromosomes (gnomAD). c.2660+1G>A has been reported in the literature as a biallelic genotype in multiple individuals affected with Familial Hypokalemia-Hypomagnesemia/Gitelman syndrome (e.g.Tseng_2012, Tavira_2014, Gug_2018, Fujimura_2019, Zhong_2019). These data indicate that the variant is very likely to be associated with disease. To our knowledge, no experimental evidence demonstrating an impact on protein function has been reported. Four submitters have provided clinical-significance assessments for this variant to ClinVar after 2014 without evidence for independent evaluation. All laboratories classified the variant as pathogenic. Based on the evidence outlined above, the variant was classified as pathogenic.

European Hospital Georges Pompidou Genetics Department, Assistance Publique - Hôpitaux de Paris AP-HP
Classification: Pathogenic for Familial hypokalemia-hypomagnesemia. Last evaluated: 2022-04-27. Review status: criteria provided, single submitter. Criteria: ACMG Guidelines, 2015. Collection method: clinical testing. Allele origin: germline. Affected: yes.
Comment: ACMG criteria used:PVS1, PS4, PM2, PM3 , PP1, PP3, PP5

Clinical Genetics Service, Universitary Hospital 12 de Octubre
Classification: Pathogenic for Familial hypokalemia-hypomagnesemia. Review status: criteria provided, single submitter. Criteria: ACMG Guidelines, 2015. Collection method: clinical testing. Allele origin: germline. Affected: yes.

Juno Genomics, Hangzhou Juno Genomics, Inc
Classification: Pathogenic for Familial hypokalemia-hypomagnesemia. Review status: criteria provided, single submitter. Criteria: ACMG Guidelines, 2015. Collection method: clinical testing. Allele origin: germline.
Comment: Absent from controls (or at extremely low frequency if recessive) in Genome Aggregation Database.;Null variant in a gene where loss of function (LOF) is a known mechanism of disease.;For recessive disorders, detected in trans with a pathogenic variant.;Patient's phenotype or family history is highly specific for a disease with a single genetic etiology.;Co-segregation with disease in multiple affected family members.

Literature cited by the submitters: PubMed 30413979 (cited by Natera, Inc. and Women's Health and Genetics/Laboratory Corporation of America, LabCorp); PubMed 16199547 (cited by Labcorp Genetics (formerly Invitae), Labcorp); PubMed 20848653 (cited by Labcorp Genetics (formerly Invitae), Labcorp); PubMed 22009145 (cited by Labcorp Genetics (formerly Invitae), Labcorp); PubMed 25841442 (cited by Labcorp Genetics (formerly Invitae), Labcorp); PubMed 24830959 (cited by Labcorp Genetics (formerly Invitae), Labcorp and Women's Health and Genetics/Laboratory Corporation of America, LabCorp); PubMed 30596175 (cited by Women's Health and Genetics/Laboratory Corporation of America, LabCorp); PubMed 29403282 (cited by Women's Health and Genetics/Laboratory Corporation of America, LabCorp); PubMed 22679066 (cited by Women's Health and Genetics/Laboratory Corporation of America, LabCorp).